The following is an entry in ClinVar:

NM_001042492.3(NF1):c.5192del (p.Leu1731fs)

Gene: NF1 (neurofibromin 1; plus strand). Cytogenetic location: 17q11.2.
Variant type: Deletion.
Coding change: c.5192del on transcript NM_001042492.3 (MANE Select); coding-DNA position 5192, one base deleted (T; older notation c.5192delT).
Protein change: p.Leu1731fs; shifts the reading frame from leucine 1731.
Molecular consequence: frameshift variant.
Genome position (GRCh38, 1-based): chr17:31,326,176, T deleted; the last of 2 consecutive T bases (chr17:31,326,175-31,326,176); deleting either gives the same sequence. VCF-style (leftmost placement, unchanged base first): chr17-31326174-CT-C. GRCh37 (hg19) VCF-style: chr17-29653192-CT-C.
Other names: c.5129delT (NM_000267.3); c.5129delT, p.Leu1710Trpfs (NM_000267.4); short protein forms L1710fs, L1731fs.
Identifiers: ClinVar variation 3644251 (VCV003644251.3).

ClinVar aggregate classification (germline): Pathogenic. Review status: criteria provided, multiple submitters, no conflicts (2 of 4 stars). 2 submissions from 2 submitters: Pathogenic (2). Last evaluated 2026-05-12.

Conditions:
Neurofibromatosis, type 1 (NF1). Also called: VON RECKLINGHAUSEN DISEASE; NEUROFIBROMATOSIS, TYPE I, SOMATIC; Peripheral type neurofibromatosis; Neurofibromatosis, type I. Identifiers: Orphanet 636, MedGen C0027831, MONDO:0018975, OMIM 162200. Disease mechanism: loss of function.
Cardiovascular phenotype. Identifiers: MedGen CN230736.
Hereditary cancer-predisposing syndrome. Also called: Hereditary neoplastic syndrome; Tumor predisposition; Hereditary Cancer Syndrome; Neoplastic Syndromes, Hereditary. Identifiers: Orphanet 140162, MedGen C0027672, MeSH D009386, MONDO:0015356.

Submissions (2):

Ambry Genetics
Classification: Pathogenic for Cardiovascular phenotype; Hereditary cancer-predisposing syndrome. Last evaluated: 2026-05-12. Review status: criteria provided, single submitter. Criteria: Ambry Variant Classification Scheme 2023. Collection method: clinical testing. Allele origin: germline.
Comment: The c.5129delT pathogenic mutation, located in coding exon 36 of the NF1 gene, results from a deletion of one nucleotide at nucleotide position 5129, causing a translational frameshift with a predicted alternate stop codon (p.L1710Wfs*3). This variant was reported in individual(s) with features consistent with neurofibromatosis type 1 (Ambry internal data). This variant is considered to be rare based on population cohorts in the Genome Aggregation Database (gnomAD).This alteration is expected to result in loss of function by premature protein truncation or nonsense-mediated mRNA decay. As such, this alteration is interpreted as a disease-causing mutation.

Labcorp Genetics (formerly Invitae), Labcorp
Classification: Pathogenic for Neurofibromatosis, type 1. Last evaluated: 2024-03-03. Review status: criteria provided, single submitter. Criteria: Invitae Variant Classification Sherloc (09022015). Collection method: clinical testing. Allele origin: germline.
Comment: This sequence change creates a premature translational stop signal (p.Leu1710Trpfs*3) in the NF1 gene. It is expected to result in an absent or disrupted protein product. Loss-of-function variants in NF1 are known to be pathogenic (PMID: 10712197, 23913538). This variant is not present in population databases (gnomAD no frequency). This variant has not been reported in the literature in individuals affected with NF1-related conditions. Algorithms developed to predict the effect of sequence changes on RNA splicing suggest that this variant may disrupt the consensus splice site. For these reasons, this variant has been classified as Pathogenic.

Literature cited by the submitters: PubMed 10712197 (cited by Labcorp Genetics (formerly Invitae), Labcorp); PubMed 23913538 (cited by Labcorp Genetics (formerly Invitae), Labcorp).